The following is an entry in ClinVar:

NC_000010.11:g.86756585C>T

Genes: BMPR1A (bone morphogenetic protein receptor type 1A; plus strand), LOC130004245 (ATAC-STARR-seq lymphoblastoid silent region 2573; plus strand). Cytogenetic location: 10q23.2.
Variant type: single nucleotide variant.
Genome position: GRCh38 VCF-style: chr10-86756585-C-T. GRCh37 (hg19) VCF-style: chr10-88516342-C-T.
Identifiers: ClinVar variation 1264362 (VCV001264362.5), dbSNP rs61858562, ClinGen allele CA16397099.

ClinVar aggregate classification (germline): Benign. Review status: criteria provided, multiple submitters, no conflicts (2 of 4 stars). 3 submissions from 3 submitters: Benign (3). Last evaluated 2026-08-11.

Conditions:
BMPR1A-related disorder. Also called: BMPR1A-related condition.

Allele frequency attached by ClinVar (database versions not stated): TOPMed 0.27760; gnomAD 0.27949 and 0.28919; gnomAD exomes 0.28571; 1000 Genomes Project 30x 0.32948; 1000 Genomes Project 0.34085.
gnomAD v4.1: 43,356 of 150,292 alleles (29%); highest among the groups gnomAD compares: East Asian, 70%; 7,549 homozygotes.

Submissions (3):

PreventionGenetics, part of Exact Sciences
Classification: Benign for BMPR1A-related condition. Last evaluated: 2026-08-11. Review status: criteria provided, single submitter. Criteria: ACMG Guidelines, 2015. Collection method: clinical testing. Allele origin: germline.
Comment: This variant is classified as benign based on ACMG/AMP sequence variant interpretation guidelines (Richards et al. 2015 PMID: 25741868, with internal and published modifications).

GeneDx
Classification: Benign. Last evaluated: 2019-08-19. Review status: criteria provided, single submitter. Criteria: GeneDx Variant Classification Process June 2021. Collection method: clinical testing. Allele origin: germline. Affected: yes.

Breakthrough Genomics
Classification: Benign. Review status: criteria provided, single submitter. Criteria: ACMG Guidelines, 2015. Collection method: not provided. Allele origin: germline. Inheritance: Autosomal dominant inheritance. Affected: yes.